The following is an entry in ClinVar:

NC_000007.13:g.(?_100860427)_(100860555_?)del

Gene: PLOD3 (procollagen-lysine,2-oxoglutarate 5-dioxygenase 3; minus strand). Cytogenetic location: 7q22.1.
Variant type: Deletion.
Identifiers: ClinVar variation 3245863 (VCV003245863.1).

ClinVar aggregate classification (germline): Pathogenic (1 of 4 stars; one submission).

Submission:

Labcorp Genetics (formerly Invitae), Labcorp
Classification: Pathogenic. Last evaluated: 2023-07-26. Review status: criteria provided, single submitter. Criteria: Invitae Variant Classification Sherloc (09022015). Collection method: clinical testing. Allele origin: unknown.
Comment: For these reasons, this variant has been classified as Pathogenic. This variant has not been reported in the literature in individuals affected with PLOD3-related conditions. This variant is a gross deletion of the genomic region encompassing exon(s) 1 of the PLOD3 gene, which includes the initiator codon. This deletion extends beyond the assayed region for this gene and therefore may encompass additional genes. It is expected to result in an absent or disrupted protein product. Loss-of-function variants in PLOD3 are known to be pathogenic (PMID: 30237576).

Literature cited by the submitters: PubMed 30237576.